The following is an entry in ClinVar:

NM_001017922.2(ERMAP):c.-2G>A

Gene: ERMAP (erythroblast membrane associated protein (Scianna blood group); plus strand). Cytogenetic location: 1p34.2.
Variant type: single nucleotide variant.
Coding change: c.-2G>A on transcript NM_001017922.2 (MANE Select); 2 bases upstream of the start codon, G replaced by A.
Molecular consequence: 5 prime UTR variant.
Genome position (GRCh38, 1-based): chr1:42,830,447, G>A. VCF-style: chr1-42830447-G-A. GRCh37 (hg19) VCF-style: chr1-43296118-G-A.
Other names: c.-2G>A (NM_018538.4).
Identifiers: ClinVar variation 3060601 (VCV003060601.2), dbSNP rs12124733, ClinGen allele CA802651.

ClinVar aggregate classification (germline): Benign (0 of 4 stars; one submission).

Conditions:
ERMAP-related disorder. Also called: ERMAP-related condition.

Allele frequency attached by ClinVar (database versions not stated): gnomAD exomes 0.21475; ExAC 0.24173; gnomAD 0.26686; ESP Exome Variant Server 0.26988; TOPMed 0.27526; 1000 Genomes Project 0.33506; 1000 Genomes Project 30x 0.33620.
gnomAD v4.1: 355,341 of 1,612,754 alleles (22%); highest among the groups gnomAD compares: African/African-American, 43%; 43,690 homozygotes.

Submission:

PreventionGenetics, part of Exact Sciences
Classification: Benign for ERMAP-related condition. Last evaluated: 2019-10-21. Review status: no assertion criteria provided. Collection method: clinical testing. Allele origin: germline.
Comment: This variant is classified as benign based on ACMG/AMP sequence variant interpretation guidelines (Richards et al. 2015 PMID: 25741868, with internal and published modifications).